The following is an entry in ClinVar:

Conditions:
Breast-ovarian cancer, familial, susceptibility to, 1 (BROVCA1). Also called: BRCA1 Hereditary Breast and Ovarian Cancer; OVARIAN CANCER, SUSCEPTIBILITY TO. Identifiers: Orphanet 145, MedGen C2676676, MONDO:0011450, OMIM 604370. Disease mechanism: loss of function.

Submission:

Brotman Baty Institute, University of Washington
No classification provided (evidence only). Condition: Breast-ovarian cancer, familial 1. Review status: no classification provided. Collection method: in vitro. Allele origin: not applicable. Functional consequence: functionally_normal.
ClinVar note: "not provided" was previously submitted as the classification for the variant. However, the classification appeared to be based only on an observation of functional data so it was converted to no classification on 2025-07-30.

NM_007294.4(BRCA1):c.5406+13T>C

Gene: BRCA1 (BRCA1 DNA repair associated; minus strand). Cytogenetic location: 17q21.31.
Variant type: single nucleotide variant.
Coding change: c.5406+13T>C on transcript NM_007294.4 (MANE Select); 13 bases into the intron after coding-DNA position 5406, T replaced by C.
Molecular consequence: intron variant.
Genome position (GRCh38, 1-based): chr17:43,049,108, A>G on the plus strand (T>C on the coding strand, the complement: BRCA1 is on the minus strand). VCF-style: chr17-43049108-A-G. GRCh37 (hg19) VCF-style: chr17-41201125-A-G.
Other names: c.1830+13T>C (NM_001408504.1, NM_001408503.1, NM_001408502.1); c.1953+13T>C (NM_001408463.1, NM_001408462.1, NM_001408458.1 and 7 more transcripts); c.5259+13T>C (NM_001407847.1, NM_001407841.1, NM_001407838.1 and 12 more transcripts); c.5262+13T>C (NM_001407740.1, NM_001407739.1, NM_001407741.1 and 18 more transcripts); c.1833+13T>C (NM_001408499.1, NM_001408498.1, NM_001408501.1 and 3 more transcripts); c.5139+13T>C (NM_001407933.1, NM_001407927.1, NM_001407931.1 and 4 more transcripts); c.5142+13T>C (NM_001407923.1, NM_001407922.1, NM_001407925.1 and 4 more transcripts); c.5265+13T>C (NM_001407725.1, NM_001407727.1, NM_001407724.1 and 12 more transcripts); and 84 more.
Identifiers: ClinVar variation 868443 (VCV000868443.3), dbSNP rs2051069227, ClinGen allele CA916080825.